The following is an entry in ClinVar:

ClinVar aggregate classification (germline): Conflicting classifications of pathogenicity. Review status: criteria provided, conflicting classifications (1 of 4 stars). 14 submissions from 14 submitters: Uncertain significance (9); Likely benign (2). 3 of the submissions do not count toward it. Last evaluated 2026-01-11.

Conditions:
ATM-related cancer predisposition. Also called: ATM-related cancer susceptibility. Identifiers: MedGen CN377759, MONDO:0700270.
Hereditary cancer-predisposing syndrome. Also called: Neoplastic Syndromes, Hereditary; Hereditary neoplastic syndrome; Tumor predisposition; Hereditary Cancer Syndrome. Identifiers: Orphanet 140162, MedGen C0027672, MeSH D009386, MONDO:0015356.
Familial cancer of breast. Also called: hereditary breast carcinoma; Hereditary breast cancer; BREAST CANCER, FAMILIAL. Identifiers: Orphanet 227535, MedGen C0346153, MONDO:0016419, OMIM 114480. Disease mechanism: loss of function.
Ataxia-telangiectasia syndrome (AT). Also called: Ataxia telangiectasia (A-T); Cerebello-oculocutaneous telangiectasia; Immunodeficiency with ataxia telangiectasia; LOUIS-BAR SYNDROME; AT, COMPLEMENTATION GROUP C; ATAXIA-TELANGIECTASIA, FRESNO VARIANT. Identifiers: Orphanet 100, MedGen C0004135, MONDO:0008840, OMIM 208900.
Hereditary breast ovarian cancer syndrome. Also called: BRCA1- and BRCA2-Associated Hereditary Breast and Ovarian Cancer; Hereditary breast and/or ovarian cancer syndrome; Hereditary breast and ovarian cancer syndrome (HBOC); Hereditary breast and ovarian cancer syndrome; Hereditary breast and ovarian cancer; Breast and ovarian cancer. Identifiers: Orphanet 145, MedGen C0677776, MeSH D061325, MONDO:0003582. Disease mechanism: loss of function.

Allele frequency attached by ClinVar (database versions not stated): gnomAD 0.00001; TOPMed 0.00001; gnomAD exomes 0.00002; ExAC 0.00002.
gnomAD v4.1: 34 of 1,613,882 alleles (0.0021%); highest among the groups gnomAD compares: Middle Eastern, 0.016%; no homozygotes.

Submissions (14):

Labcorp Genetics (formerly Invitae), Labcorp
Classification: Likely benign for Ataxia-telangiectasia syndrome. Last evaluated: 2026-01-11. Review status: criteria provided, single submitter. Criteria: Invitae Variant Classification Sherloc (09022015). Collection method: clinical testing. Allele origin: germline.

KCCC/NGS Laboratory, Kuwait Cancer Control Center
Classification: Uncertain significance for Familial cancer of breast. Last evaluated: 2025-12-01. Review status: criteria provided, single submitter. Criteria: ACMG Guidelines, 2015. Collection method: clinical testing. Allele origin: germline. Inheritance: Autosomal dominant inheritance. Affected: yes.
Comment: This variant is classified as a Variant of Uncertain Significance

Ambry Genetics
Classification: Uncertain significance for Hereditary cancer-predisposing syndrome. Last evaluated: 2025-07-21. Review status: criteria provided, single submitter. Criteria: Ambry Variant Classification Scheme 2023. Collection method: clinical testing. Allele origin: germline.
Comment: The p.I2776T variant (also known as c.8327T>C), located in coding exon 56 of the ATM gene, results from a T to C substitution at nucleotide position 8327. The isoleucine at codon 2776 is replaced by threonine, an amino acid with similar properties. In one study, this alteration was detected in 1/29 families with colorectal cancer, and within this family, p.I2776T was carried by one of two individuals with colorectal cancer (Esteban-Jurado C et al. Genet. Med. 2015 Feb;17:131-42). This amino acid position is highly conserved in available vertebrate species. In addition, this alteration is predicted to be deleterious by in silico analysis. Based on the available evidence, the clinical significance of this variant remains unclear.

Center for Genomic Medicine, Rigshospitalet, Copenhagen University Hospital
Classification: Uncertain significance. Last evaluated: 2025-03-04. Review status: criteria provided, single submitter. Criteria: ACMG Guidelines, 2015. Collection method: clinical testing. Allele origin: germline.

German Consortium for Hereditary Breast and Ovarian Cancer, University Hospital Cologne
Classification: Likely benign for Hereditary breast ovarian cancer syndrome. Last evaluated: 2025-02-18. Review status: criteria provided, single submitter. Criteria: ClinGen ATM V1.3.0. Collection method: curation. Allele origin: germline.
Comment: According to the ClinGen ACMG ATM v1.3.0 criteria we chose these criteria: PP3 (supporting pathogenic): Revel: 0,895 , BS3 (medium benign): neutral in Andreassen et al. 2025

Department of Pathology and Laboratory Medicine, Sinai Health System
Classification: Uncertain significance for ATM-related cancer predisposition. Last evaluated: 2025-01-24. Review status: criteria provided, single submitter. Criteria: ACMG Guidelines, 2015. Collection method: clinical testing. Allele origin: germline.

Color Diagnostics, LLC DBA Color Health
Classification: Uncertain significance for Hereditary cancer-predisposing syndrome. Last evaluated: 2024-09-30. Review status: criteria provided, single submitter. Criteria: ACMG Guidelines, 2015. Collection method: clinical testing. Allele origin: germline.
Comment: This missense variant replaces isoleucine with threonine at codon 2776 of the ATM protein. Computational prediction suggests that this variant may have deleterious impact on protein structure and function. To our knowledge, functional studies have not been reported for this variant. In two case-control studies, this variant was reported in an equal number of people with and without breast cancer (PMID: 28779002, 33471991). This variant has been reported in an individual affected with epithelial ovarian cancer (PMID: 35186721), an individual affected with colorectal cancer (PMID: 25058500), and an individual who exhibited Cowden syndrome like phenotype (PMID: 29684080). This variant has been identified in 6/251342 chromosomes in the general population by the Genome Aggregation Database (gnomAD). The available evidence is insufficient to determine the role of this variant in disease conclusively. Therefore, this variant is classified as a Variant of Uncertain Significance.

GeneDx
Classification: Uncertain significance. Last evaluated: 2024-07-09. Review status: criteria provided, single submitter. Criteria: GeneDx Variant Classification Process June 2021. Collection method: clinical testing. Allele origin: germline. Affected: yes.
Comment: Not observed at significant frequency in large population cohorts (gnomAD); In silico analysis supports that this missense variant has a deleterious effect on protein structure/function; Observed in individuals with breast or colorectal cancer, but also in unaffected controls (PMID: 25058500, 28779002, 29684080, 33471991); This variant is associated with the following publications: (PMID: 25058500, 28779002, 29684080, 33471991, 36243179, 23532176, 35186721)

Baylor Genetics
Classification: Uncertain significance for Familial cancer of breast. Last evaluated: 2024-02-18. Review status: criteria provided, single submitter. Criteria: ACMG Guidelines, 2015. Collection method: clinical testing. Allele origin: unknown.

Women's Health and Genetics/Laboratory Corporation of America, LabCorp
Classification: Uncertain significance. Last evaluated: 2023-08-24. Review status: criteria provided, single submitter. Criteria: LabCorp Variant Classification Summary - May 2015. Collection method: clinical testing. Allele origin: germline.
Comment: Variant summary: ATM c.8327T>C (p.Ile2776Thr) results in a non-conservative amino acid change located in the Phosphatidylinositol 3-/4-kinase, catalytic domain (IPR000403) of the encoded protein sequence. Five of five in-silico tools predict a damaging effect of the variant on protein function. The variant allele was found at a frequency of 2.4e-05 in 251342 control chromosomes. The available data on variant occurrences in the general population are insufficient to allow any conclusion about variant significance. c.8327T>C has been reported in the literature in individuals affected with multiple conditions including Breast Cancer, Colorectal Cancer, Cowden and Bannayan-Riley-Ruvalcaba syndrome, and Ovarian Cancer without strong evidence for causality (example, Esteban-Jurado_2015, Yehia_2018, Decker_2017, Yao_2022). It has also been reported in both breast cancer cases and unaffected controls by a large study in the Breast Cancer Association Consortium (Dorling_2021). These report(s) do not provide unequivocal conclusions about association of the variant with Breast Cancer. To our knowledge, no experimental evidence demonstrating an impact on protein function has been reported. The following publications have been ascertained in the context of this evaluation (PMID: 25058500, 35186721, 33471991, 29684080, 28779002). Six submitters have cited clinical-significance assessments for this variant to ClinVar after 2014 (VUS, n=5; Likely benign, n=1). Based on the evidence outlined above, the variant was classified as uncertain significance.

Genetic Services Laboratory, University of Chicago
Classification: Uncertain significance. Last evaluated: 2018-10-01. Review status: criteria provided, single submitter. Criteria: ACMG Guidelines, 2015. Collection method: clinical testing. Allele origin: germline. Affected: no.

Natera, Inc.
Classification: Uncertain significance for Ataxia-telangiectasia. Last evaluated: 2020-09-01. Review status: no assertion criteria provided. Collection method: clinical testing. Allele origin: germline. Not counted in ClinVar's aggregate classification.

Genome Diagnostics Laboratory, Amsterdam University Medical Center
Classification: Uncertain significance. Review status: no assertion criteria provided. Collection method: clinical testing. Allele origin: germline. Affected: yes. Study: VKGL Data-share Consensus. Not counted in ClinVar's aggregate classification.

Joint Genome Diagnostic Labs from Nijmegen and Maastricht, Radboudumc and MUMC+
Classification: Uncertain significance. Review status: no assertion criteria provided. Collection method: clinical testing. Allele origin: germline. Affected: yes. Study: VKGL Data-share Consensus. Not counted in ClinVar's aggregate classification.

Literature cited by the submitters: PubMed 25058500 (cited by 4 submitters); PubMed 35186721 (cited by 3 submitters); PubMed 33471991 (cited by 3 submitters); PubMed 29684080 (cited by 3 submitters); PubMed 28779002 (cited by Color Diagnostics, LLC DBA Color Health and Women's Health and Genetics/Laboratory Corporation of America, LabCorp).

NM_000051.4(ATM):c.8327T>C (p.Ile2776Thr)

Genes: ATM (ATM serine/threonine kinase; plus strand), C11orf65 (chromosome 11 open reading frame 65; minus strand). Cytogenetic location: 11q22.3.
Variant type: single nucleotide variant.
Coding change: c.8327T>C on transcript NM_000051.4 (MANE Select); coding-DNA position 8327, T replaced by C.
Protein change: p.Ile2776Thr; replaces isoleucine 2776 with threonine.
Molecular consequence: missense variant. On other transcripts: intron variant (2).
Genome position (GRCh38, 1-based): chr11:108,343,280, T>C. VCF-style: chr11-108343280-T-C. GRCh37 (hg19) VCF-style: chr11-108214007-T-C.
Other names: c.8327T>C, p.Ile2776Thr (NM_001351834.2); c.641-34209A>G (NM_001330368.2); c.695-7988A>G (NM_001351110.2); short protein forms I2776T.
Identifiers: ClinVar variation 229723 (VCV000229723.49), dbSNP rs746475628, ClinGen allele CA6266352.